The following is an entry in ClinVar:

NM_030665.4(RAI1):c.4243A>C (p.Ser1415Arg)

Gene: RAI1 (retinoic acid induced 1; plus strand). Cytogenetic location: 17p11.2.
Variant type: single nucleotide variant.
Coding change: c.4243A>C on transcript NM_030665.4 (MANE Select); coding-DNA position 4243, A replaced by C.
Protein change: p.Ser1415Arg; replaces serine 1415 with arginine.
Molecular consequence: missense variant.
Genome position (GRCh38, 1-based): chr17:17,797,191, A>C. VCF-style: chr17-17797191-A-C. GRCh37 (hg19) VCF-style: chr17-17700505-A-C.
Other names: short protein forms S1415R.
Identifiers: ClinVar variation 4744798 (VCV004744798.1).

ClinVar aggregate classification (germline): Uncertain significance (1 of 4 stars; one submission).

gnomAD v4.1: 1 of 1,613,924 alleles (0.000062%); highest among the groups gnomAD compares: African/African-American, 0.0013%; no homozygotes.

Submission:

Labcorp Genetics (formerly Invitae), Labcorp
Classification: Uncertain significance. Last evaluated: 2025-08-24. Review status: criteria provided, single submitter. Criteria: Invitae Variant Classification Sherloc (09022015). Collection method: clinical testing. Allele origin: germline.
Comment: This sequence change replaces serine, which is neutral and polar, with arginine, which is basic and polar, at codon 1415 of the RAI1 protein (p.Ser1415Arg). This variant is not present in population databases (gnomAD no frequency). This variant has not been reported in the literature in individuals affected with RAI1-related conditions. Invitae Evidence Modeling of protein sequence and biophysical properties (such as structural, functional, and spatial information, amino acid conservation, physicochemical variation, residue mobility, and thermodynamic stability) indicates that this missense variant is not expected to disrupt RAI1 protein function with a negative predictive value of 80%. In summary, the available evidence is currently insufficient to determine the role of this variant in disease. Therefore, it has been classified as a Variant of Uncertain Significance.